The following is an entry in ClinVar:

ClinVar aggregate classification (germline): Conflicting classifications of pathogenicity. Review status: criteria provided, conflicting classifications (1 of 4 stars). 2 submissions from 2 submitters: Uncertain significance (1); Likely benign (1). Last evaluated 2025-12-01.

Submissions (2):

CeGaT Center for Human Genetics Tuebingen
Classification: Uncertain significance. Last evaluated: 2025-12-01. Review status: criteria provided, single submitter. Criteria: CeGaT Center For Human Genetics Tuebingen Variant Classification Criteria Version 2. Collection method: clinical testing. Allele origin: germline. Affected: yes. Observed: 1 variant allele.
Comment: NOTCH3: PM2, BP4

Labcorp Genetics (formerly Invitae), Labcorp
Classification: Likely benign. Last evaluated: 2024-07-03. Review status: criteria provided, single submitter. Criteria: Invitae Variant Classification Sherloc (09022015). Collection method: clinical testing. Allele origin: germline.

NM_000435.3(NOTCH3):c.3719-4T>C

Gene: NOTCH3 (notch receptor 3; minus strand). Cytogenetic location: 19p13.12.
Variant type: single nucleotide variant.
Coding change: c.3719-4T>C on transcript NM_000435.3 (MANE Select); 4 bases into the intron before coding-DNA position 3719, T replaced by C.
Molecular consequence: intron variant.
Genome position (GRCh38, 1-based): chr19:15,178,945, A>G on the plus strand (T>C on the coding strand, the complement: NOTCH3 is on the minus strand). VCF-style: chr19-15178945-A-G. GRCh37 (hg19) VCF-style: chr19-15289756-A-G.
Identifiers: ClinVar variation 3632130 (VCV003632130.7).